The following is an entry in ClinVar:

ClinVar aggregate classification (germline): Uncertain significance (1 of 4 stars; one submission).

Conditions:
Inborn genetic diseases. Identifiers: MedGen C0950123, MeSH D030342.

Submission:

Ambry Genetics
Classification: Uncertain significance for Inborn genetic diseases. Last evaluated: 2022-03-04. Review status: criteria provided, single submitter. Criteria: Ambry Variant Classification Scheme 2023. Collection method: clinical testing. Allele origin: germline.
Comment: The p.M25L variant (also known as c.73A>T), located in coding exon 2 of the ERCC2 gene, results from an A to T substitution at nucleotide position 73. The methionine at codon 25 is replaced by leucine, an amino acid with highly similar properties. This amino acid position is conserved. In addition, this alteration is predicted to be deleterious by in silico analysis. Since supporting evidence is limited at this time, the clinical significance of this alteration remains unclear.

NM_000400.4(ERCC2):c.73A>T (p.Met25Leu)

Gene: ERCC2 (ERCC excision repair 2, TFIIH core complex helicase subunit; minus strand). Cytogenetic location: 19q13.32.
Variant type: single nucleotide variant.
Coding change: c.73A>T on transcript NM_000400.4 (MANE Select); coding-DNA position 73, A replaced by T.
Protein change: p.Met25Leu; replaces methionine 25 with leucine.
Molecular consequence: missense variant. On other transcripts: initiator codon variant (1).
Genome position (GRCh38, 1-based): chr19:45,370,165, T>A on the plus strand (A>T on the coding strand, the complement: ERCC2 is on the minus strand). VCF-style: chr19-45370165-T-A. GRCh37 (hg19) VCF-style: chr19-45873423-T-A.
Other names: c.1A>T, p.Met1Leu (NM_001130867.2); short protein forms M25L, M1L.
Identifiers: ClinVar variation 1758711 (VCV001758711.3), dbSNP rs773848568, ClinGen allele CA406379901.